The following is an entry in ClinVar:

NM_000377.3(WAS):c.777+4A>C

Gene: WAS (WASP actin nucleation promoting factor; plus strand). Cytogenetic location: Xp11.23.
Variant type: single nucleotide variant.
Coding change: c.777+4A>C on transcript NM_000377.3 (MANE Select); 4 bases into the intron after coding-DNA position 777, A replaced by C.
Molecular consequence: intron variant.
Genome position (GRCh38, 1-based): chrX:48,688,100, A>C. VCF-style: chrX-48688100-A-C. GRCh37 (hg19) VCF-style: chrX-48546489-A-C.
Identifiers: ClinVar variation 2944310 (VCV002944310.3), dbSNP rs2519285245, ClinGen allele CA2740092130.
Genomic context (GRCh38, chrX:48,688,100, plus strand): 5'-TTCACCTCTCCCAGGCATGTCAGCCACGTGGGGTGGGACCCCCAGAATGGATTTGACGTG[A>C]GTAACTTCAGAGTCTCTTGGACTCCACTAAACTTCCACCCACCCTTCCAAAGACCACTGC-3'

ClinVar aggregate classification (germline): Uncertain significance (1 of 4 stars; one submission).

Conditions:
Thrombocytopenia 1. Also called: THROMBOCYTOPENIA, X-LINKED, 1; X-Linked Thrombocytopenia (XLT); X-linked thrombocytopenia with normal platelets. Identifiers: Orphanet 268322, Orphanet 852, MedGen C1839163, MONDO:0010743, OMIM 313900.
Wiskott-Aldrich syndrome (WAS). Also called: ALDRICH SYNDROME; IMMUNODEFICIENCY 2; WISKOTT-ALDRICH SYNDROME 1; Wiskott-aldrich syndrome, somatic. Identifiers: Orphanet 906, MedGen C0043194, MONDO:0010518, OMIM 301000.
X-linked severe congenital neutropenia (SCNX). Identifiers: Orphanet 86788, MedGen C1845987, MONDO:0010294, OMIM 300299.

Submission:

Labcorp Genetics (formerly Invitae), Labcorp
Classification: Uncertain significance for Wiskott-Aldrich syndrome; X-linked severe congenital neutropenia; Thrombocytopenia 1. Last evaluated: 2023-03-12. Review status: criteria provided, single submitter. Criteria: Invitae Variant Classification Sherloc (09022015). Collection method: clinical testing. Allele origin: germline.
Comment: In summary, the available evidence is currently insufficient to determine the role of this variant in disease. Therefore, it has been classified as a Variant of Uncertain Significance. Variants that disrupt the consensus splice site are a relatively common cause of aberrant splicing (PMID: 17576681, 9536098). Algorithms developed to predict the effect of sequence changes on RNA splicing suggest that this variant may disrupt the consensus splice site. This variant has not been reported in the literature in individuals affected with WAS-related conditions. This variant is not present in population databases (gnomAD no frequency). This sequence change falls in intron 8 of the WAS gene. It does not directly change the encoded amino acid sequence of the WAS protein. It affects a nucleotide within the consensus splice site.

Literature cited by the submitters: PubMed 17576681; PubMed 9536098.